The following is an entry in ClinVar:

NM_020774.4(MIB1):c.2074C>T (p.Leu692Phe)

Gene: MIB1 (MIB E3 ubiquitin protein ligase 1; plus strand). Cytogenetic location: 18q11.2.
Variant type: single nucleotide variant.
Coding change: c.2074C>T on transcript NM_020774.4 (MANE Select); coding-DNA position 2074, C replaced by T.
Protein change: p.Leu692Phe; replaces leucine 692 with phenylalanine.
Molecular consequence: missense variant.
Genome position (GRCh38, 1-based): chr18:21,844,116, C>T. VCF-style: chr18-21844116-C-T. GRCh37 (hg19) VCF-style: chr18-19424077-C-T.
Other names: short protein forms L692F.
Identifiers: ClinVar variation 3872838 (VCV003872838.1).

ClinVar aggregate classification (germline): Uncertain significance (1 of 4 stars; one submission).

Conditions:
Inborn genetic diseases. Identifiers: MedGen C0950123, MeSH D030342.

Submission:

Ambry Genetics
Classification: Uncertain significance for Inborn genetic diseases. Last evaluated: 2025-02-20. Review status: criteria provided, single submitter. Criteria: Ambry Variant Classification Scheme 2023. Collection method: clinical testing. Allele origin: germline.
Comment: The p.L692F variant (also known as c.2074C>T), located in coding exon 15 of the MIB1 gene, results from a C to T substitution at nucleotide position 2074. The leucine at codon 692 is replaced by phenylalanine, an amino acid with highly similar properties. This amino acid position is conserved. In addition, the in silico prediction for this alteration is inconclusive. Based on the available evidence, the clinical significance of this variant remains unclear.